The following is an entry in ClinVar:

ClinVar aggregate classification (germline): Likely benign. Review status: criteria provided, single submitter (1 of 4 stars). 2 submissions from 2 submitters: Likely benign (1). 1 of the submissions does not count toward it. Last evaluated 2024-09-26.

Conditions:
TMLHE-related disorder. Also called: TMLHE-related condition.

Allele frequency attached by ClinVar (database versions not stated): gnomAD 0.00005; TOPMed 0.00005; ExAC 0.00006; 1000 Genomes Project 30x 0.00021; 1000 Genomes Project 0.00026.

Submissions (2):

Blueprint Genetics
Classification: Likely benign. Last evaluated: 2024-09-26. Review status: criteria provided, single submitter. Criteria: ACMG Guidelines, 2015. Collection method: clinical testing. Allele origin: germline.

PreventionGenetics, part of Exact Sciences
Classification: Likely benign for TMLHE-related condition. Last evaluated: 2020-03-26. Review status: no assertion criteria provided. Collection method: clinical testing. Allele origin: germline. Not counted in ClinVar's aggregate classification.
Comment: This variant is classified as likely benign based on ACMG/AMP sequence variant interpretation guidelines (Richards et al. 2015 PMID: 25741868, with internal and published modifications).

NM_018196.4(TMLHE):c.492G>A (p.Ser164=)

Gene: TMLHE (trimethyllysine hydroxylase, epsilon; minus strand). Cytogenetic location: Xq28.
Variant type: single nucleotide variant.
Coding change: c.492G>A on transcript NM_018196.4 (MANE Select); coding-DNA position 492, G replaced by A.
Protein change: p.Ser164=; no amino-acid change (serine 164 retained).
Molecular consequence: synonymous variant.
Genome position (GRCh38, 1-based): chrX:155,514,132, C>T on the plus strand (G>A on the coding strand, the complement: TMLHE is on the minus strand). VCF-style: chrX-155514132-C-T. GRCh37 (hg19) VCF-style: chrX-154743793-C-T.
Other names: c.492G>A, p.Ser164= (NM_001184797.2).
Identifiers: ClinVar variation 3047777 (VCV003047777.3), dbSNP rs200054718, ClinGen allele CA10569523.